The following is an entry in ClinVar:

ClinVar aggregate classification (germline): Likely benign. Review status: criteria provided, single submitter (1 of 4 stars). 2 submissions from 2 submitters: Likely benign (1). 1 of the submissions does not count toward it. Last evaluated 2023-01-01.

Conditions:
NECTIN2-related disorder. Also called: NECTIN2-related condition.

Allele frequency attached by ClinVar (database versions not stated): TOPMed 0.00002; gnomAD 0.00003; gnomAD exomes 0.00004; ExAC 0.00007.
gnomAD v4.1: 57 of 1,613,988 alleles (0.0035%); highest among the groups gnomAD compares: Middle Eastern, 0.049%; no homozygotes.

Submissions (2):

CeGaT Center for Human Genetics Tuebingen
Classification: Likely benign. Last evaluated: 2023-01-01. Review status: criteria provided, single submitter. Criteria: CeGaT Center For Human Genetics Tuebingen Variant Classification Criteria Version 2. Collection method: clinical testing. Allele origin: germline. Affected: yes. Observed: 1 variant allele.
Comment: NECTIN2: BP4, BP7

PreventionGenetics, part of Exact Sciences
Classification: Likely benign for NECTIN2-related condition. Last evaluated: 2019-06-21. Review status: no assertion criteria provided. Collection method: clinical testing. Allele origin: germline. Not counted in ClinVar's aggregate classification.
Comment: This variant is classified as likely benign based on ACMG/AMP sequence variant interpretation guidelines (Richards et al. 2015 PMID: 25741868, with internal and published modifications).

NM_001042724.2(NECTIN2):c.822C>T (p.Leu274=)

Gene: NECTIN2 (nectin cell adhesion molecule 2; plus strand). Cytogenetic location: 19q13.32.
Variant type: single nucleotide variant.
Coding change: c.822C>T on transcript NM_001042724.2 (MANE Select); coding-DNA position 822, C replaced by T.
Protein change: p.Leu274=; no amino-acid change (leucine 274 retained).
Molecular consequence: synonymous variant.
Genome position (GRCh38, 1-based): chr19:44,873,962, C>T. VCF-style: chr19-44873962-C-T. GRCh37 (hg19) VCF-style: chr19-45377219-C-T.
Other names: c.822C>T (NM_001042724.1); c.822C>T, p.Leu274= (NM_002856.3).
Identifiers: ClinVar variation 2650088 (VCV002650088.25), dbSNP rs764175486, ClinGen allele CA9505204.